The following is an entry in ClinVar:

ClinVar aggregate classification (germline): Uncertain significance (1 of 4 stars; one submission).

Conditions:
Inborn genetic diseases. Identifiers: MedGen C0950123, MeSH D030342.

gnomAD v4.1: 2 of 1,612,024 alleles (0.00012%); highest among the groups gnomAD compares: Non-Finnish European, 0.00017%; no homozygotes.

Submission:

Ambry Genetics
Classification: Uncertain significance for Inborn genetic diseases. Last evaluated: 2026-03-20. Review status: criteria provided, single submitter. Criteria: Ambry Variant Classification Scheme 2023. Collection method: clinical testing. Allele origin: germline.
Comment: The p.I984T variant (also known as c.2951T>C), located in coding exon 29 of the RTEL1 gene, results from a T to C substitution at nucleotide position 2951. The isoleucine at codon 984 is replaced by threonine, an amino acid with similar properties. This amino acid position is conserved. In addition, this alteration is predicted to be tolerated by in silico analysis. Based on the available evidence, the clinical significance of this variant remains unclear.

NM_001283009.2(RTEL1):c.2951T>C (p.Ile984Thr)

Genes: RTEL1 (regulator of telomere elongation helicase 1; plus strand), RTEL1-TNFRSF6B (RTEL1-TNFRSF6B readthrough (NMD candidate); plus strand). Cytogenetic location: 20q13.33.
Variant type: single nucleotide variant.
Coding change: c.2951T>C on transcript NM_001283009.2 (MANE Select); coding-DNA position 2951, T replaced by C.
Protein change: p.Ile984Thr; replaces isoleucine 984 with threonine.
Molecular consequence: missense variant. On other transcripts: non-coding transcript variant (1).
Genome position (GRCh38, 1-based): chr20:63,693,242, T>C. VCF-style: chr20-63693242-T-C. GRCh37 (hg19) VCF-style: chr20-62324595-T-C.
Other names: c.2282T>C, p.Ile761Thr (NM_001283010.1); c.2951T>C, p.Ile984Thr (NM_016434.4); c.3023T>C, p.Ile1008Thr (NM_032957.5); short protein forms I1008T, I761T, I984T.
Identifiers: ClinVar variation 4863517 (VCV004863517.1).